The following is an entry in ClinVar:

NM_025132.4(WDR19):c.2816A>C (p.Glu939Ala)

Gene: WDR19 (WD repeat domain 19; plus strand). Cytogenetic location: 4p14.
Variant type: single nucleotide variant.
Coding change: c.2816A>C on transcript NM_025132.4 (MANE Select); coding-DNA position 2816, A replaced by C.
Protein change: p.Glu939Ala; replaces glutamic acid 939 with alanine.
Molecular consequence: missense variant.
Genome position (GRCh38, 1-based): chr4:39,253,232, A>C. VCF-style: chr4-39253232-A-C. GRCh37 (hg19) VCF-style: chr4-39254852-A-C.
Other names: c.2336A>C, p.Glu779Ala (NM_001317924.2); short protein forms E779A, E939A.
Identifiers: ClinVar variation 2037896 (VCV002037896.4), dbSNP rs1259224820, ClinGen allele CA356641425.

ClinVar aggregate classification (germline): Uncertain significance (1 of 4 stars; one submission).

Conditions:
Senior-Loken syndrome 8 (SLSN8). Identifiers: Orphanet 3156, MedGen C4225376, MONDO:0014579, OMIM 616307.
Asphyxiating thoracic dystrophy 5 (SRTD5). Also called: SHORT-RIB THORACIC DYSPLASIA 5 WITHOUT POLYDACTYLY; SHORT-RIB THORACIC DYSPLASIA 5 WITH OR WITHOUT POLYDACTYLY. Identifiers: Orphanet 474, MedGen C3280598, MONDO:0013717, OMIM 614376.

Allele frequency attached by ClinVar (database versions not stated): TOPMed below 0.00001; gnomAD exomes below 0.00001.

Submission:

Labcorp Genetics (formerly Invitae), Labcorp
Classification: Uncertain significance for Senior-Loken syndrome 8; Asphyxiating thoracic dystrophy 5. Last evaluated: 2025-04-17. Review status: criteria provided, single submitter. Criteria: Invitae Variant Classification Sherloc (09022015). Collection method: clinical testing. Allele origin: germline.
Comment: This sequence change replaces glutamic acid, which is acidic and polar, with alanine, which is neutral and non-polar, at codon 939 of the WDR19 protein (p.Glu939Ala). This variant is present in population databases (no rsID available, gnomAD no frequency). This variant has not been reported in the literature in individuals affected with WDR19-related conditions. ClinVar contains an entry for this variant (Variation ID: 2037896). Invitae Evidence Modeling of protein sequence and biophysical properties (such as structural, functional, and spatial information, amino acid conservation, physicochemical variation, residue mobility, and thermodynamic stability) indicates that this missense variant is not expected to disrupt WDR19 protein function with a negative predictive value of 80%. In summary, the available evidence is currently insufficient to determine the role of this variant in disease. Therefore, it has been classified as a Variant of Uncertain Significance.